The following is an entry in ClinVar:

ClinVar aggregate classification (germline): Uncertain significance (1 of 4 stars; one submission).

Conditions:
ATP1A3-related disorder. Also called: ATP1A3-related condition; ATP1A3-related disorders. Identifiers: MedGen CN381097.

Submission:

PreventionGenetics, part of Exact Sciences
Classification: Uncertain significance for ATP1A3-related condition. Last evaluated: 2023-04-27. Review status: criteria provided, single submitter. Criteria: ACMG Guidelines, 2015. Collection method: clinical testing. Allele origin: germline.
Comment: The ATP1A3 c.605T>C variant is predicted to result in the amino acid substitution p.Val202Ala. To our knowledge, this variant has not been reported in the literature or in a large population database, indicating this variant is rare. At this time, the clinical significance of this variant is uncertain due to the absence of conclusive functional and genetic evidence.

NM_152296.5(ATP1A3):c.566T>C (p.Val189Ala)

Gene: ATP1A3 (ATPase Na+/K+ transporting subunit alpha 3; minus strand). Cytogenetic location: 19q13.2.
Variant type: single nucleotide variant.
Coding change: c.566T>C on transcript NM_152296.5 (MANE Select); coding-DNA position 566, T replaced by C.
Protein change: p.Val189Ala; replaces valine 189 with alanine.
Molecular consequence: missense variant.
Genome position (GRCh38, 1-based): chr19:41,985,904, A>G on the plus strand (T>C on the coding strand, the complement: ATP1A3 is on the minus strand). VCF-style: chr19-41985904-A-G. GRCh37 (hg19) VCF-style: chr19-42490056-A-G.
Other names: c.599T>C, p.Val200Ala (NM_001256213.2); c.605T>C, p.Val202Ala (NM_001256214.2); short protein forms V189A, V200A, V202A.
Identifiers: ClinVar variation 2632855 (VCV002632855.1), dbSNP rs2514078768, ClinGen allele CA406054362.